The following is an entry in ClinVar:

ClinVar aggregate classification (germline): Uncertain significance (1 of 4 stars; one submission).

Submission:

Labcorp Genetics (formerly Invitae), Labcorp
Classification: Uncertain significance. Last evaluated: 2024-04-01. Review status: criteria provided, single submitter. Criteria: Invitae Variant Classification Sherloc (09022015). Collection method: clinical testing. Allele origin: germline.
Comment: This sequence change replaces arginine, which is basic and polar, with histidine, which is basic and polar, at codon 212 of the DVL3 protein (p.Arg212His). This variant is present in population databases (rs776269644, gnomAD 0.01%). This variant has not been reported in the literature in individuals affected with DVL3-related conditions. Advanced modeling of protein sequence and biophysical properties (such as structural, functional, and spatial information, amino acid conservation, physicochemical variation, residue mobility, and thermodynamic stability) performed at Invitae indicates that this missense variant is not expected to disrupt DVL3 protein function with a negative predictive value of 80%. In summary, the available evidence is currently insufficient to determine the role of this variant in disease. Therefore, it has been classified as a Variant of Uncertain Significance.

NM_004423.4(DVL3):c.635G>A (p.Arg212His)

Gene: DVL3 (dishevelled segment polarity protein 3; plus strand). Cytogenetic location: 3q27.1.
Variant type: single nucleotide variant.
Coding change: c.635G>A on transcript NM_004423.4 (MANE Select); coding-DNA position 635, G replaced by A.
Protein change: p.Arg212His; replaces arginine 212 with histidine.
Molecular consequence: missense variant.
Genome position (GRCh38, 1-based): chr3:184,165,148, G>A. VCF-style: chr3-184165148-G-A. GRCh37 (hg19) VCF-style: chr3-183882936-G-A.
Other names: short protein forms R212H.
Identifiers: ClinVar variation 3626665 (VCV003626665.2).